The following is an entry in ClinVar:

ClinVar aggregate classification (germline): Conflicting classifications of pathogenicity. Review status: criteria provided, conflicting classifications (1 of 4 stars). 2 submissions from 2 submitters: Uncertain significance (1); Benign (1). Last evaluated 2026-01-20.

Conditions:
LAMA2-related muscular dystrophy (LAMA2-RD). Also called: Laminin alpha 2-related dystrophy. Identifiers: MedGen C5679788, MONDO:0100228.

Allele frequency attached by ClinVar (database versions not stated): gnomAD exomes 0.00001 and 0.00004; ExAC 0.00002; gnomAD 0.00007 and 0.00008; TOPMed 0.00015.
gnomAD v4.1: 22 of 1,611,638 alleles (0.0014%); highest among the groups gnomAD compares: African/African-American, 0.025%; no homozygotes.

Submissions (2):

Women's Health and Genetics/Laboratory Corporation of America, LabCorp
Classification: Uncertain significance. Last evaluated: 2026-01-20. Review status: criteria provided, single submitter. Criteria: LabCorp Variant Classification Summary - May 2015. Collection method: clinical testing. Allele origin: germline.
Comment: Variant summary: LAMA2 c.2513G>A (p.Gly838Glu) results in a non-conservative amino acid change in the encoded protein sequence. Algorithms developed to predict the effect of missense changes on protein structure and function all suggest that this variant is likely to be disruptive. The variant allele was found at a frequency of 3.6e-05 in 251216 control chromosomes. The available data on variant occurrences in the general population are insufficient to allow any conclusion about variant significance. To our knowledge, no occurrence of c.2513G>A in individuals affected with LAMA2-related conditions and no experimental evidence demonstrating its impact on protein function have been reported. ClinVar contains an entry for this variant (Variation ID: 660472). Based on the evidence outlined above, the variant was classified as uncertain significance.

Labcorp Genetics (formerly Invitae), Labcorp
Classification: Benign for LAMA2-related muscular dystrophy. Last evaluated: 2025-08-09. Review status: criteria provided, single submitter. Criteria: Invitae Variant Classification Sherloc (09022015). Collection method: clinical testing. Allele origin: germline.

NM_000426.4(LAMA2):c.2513G>A (p.Gly838Glu)

Gene: LAMA2 (laminin subunit alpha 2; plus strand). Cytogenetic location: 6q22.33.
Variant type: single nucleotide variant.
Coding change: c.2513G>A on transcript NM_000426.4 (MANE Select); coding-DNA position 2513, G replaced by A.
Protein change: p.Gly838Glu; replaces glycine 838 with glutamic acid.
Molecular consequence: missense variant.
Genome position (GRCh38, 1-based): chr6:129,280,123, G>A. VCF-style: chr6-129280123-G-A. GRCh37 (hg19) VCF-style: chr6-129601268-G-A.
Other names: c.2513G>A, p.Gly838Glu (NM_001079823.2); short protein forms G838E.
Identifiers: ClinVar variation 660472 (VCV000660472.8), dbSNP rs779877337, ClinGen allele CA3992969.